The following is an entry in ClinVar:

NM_001379500.1(COL18A1):c.2352+9C>T

Gene: COL18A1 (collagen type XVIII alpha 1 chain; plus strand). Cytogenetic location: 21q22.3.
Variant type: single nucleotide variant.
Coding change: c.2352+9C>T on transcript NM_001379500.1 (MANE Select); 9 bases into the intron after coding-DNA position 2352, C replaced by T.
Molecular consequence: intron variant.
Genome position (GRCh38, 1-based): chr21:45,493,584, C>T. VCF-style: chr21-45493584-C-T. GRCh37 (hg19) VCF-style: chr21-46913498-C-T.
Other names: c.3597+9C>T (NM_130444.3); c.2892+9C>T (NM_030582.4, NM_030582.3).
Identifiers: ClinVar variation 1611559 (VCV001611559.9), dbSNP rs756318040, ClinGen allele CA10066992.
Genomic context (GRCh38, chr21:45,493,584, plus strand): 5'-CATCTTCAGCCCCGACGGCGGTGCCCTGGGCCCTGCCCAGAAAGGAGCCAAGGTGAGGGC[C>T]GGGCAGCCTCCTTCCGGCAGGCGTGGGGGCTCCTGGGGCTGTGGAGACAGCCTGGGGAGG-3'

ClinVar aggregate classification (germline): Likely benign. Review status: criteria provided, single submitter (1 of 4 stars). 2 submissions from 2 submitters: Likely benign (1). 1 of the submissions does not count toward it. Last evaluated 2025-12-02.

Conditions:
COL18A1-related disorder. Also called: COL18A1-related condition; COL18A1-related disorders.

Allele frequency attached by ClinVar (database versions not stated): gnomAD exomes 0.00001; gnomAD 0.00002; TOPMed 0.00002; ExAC 0.00006.
gnomAD v4.1: 14 of 1,549,260 alleles (0.0009%); highest among the groups gnomAD compares: East Asian, 0.0049%; no homozygotes.

Submissions (2):

Labcorp Genetics (formerly Invitae), Labcorp
Classification: Likely benign. Last evaluated: 2025-12-02. Review status: criteria provided, single submitter. Criteria: Invitae Variant Classification Sherloc (09022015). Collection method: clinical testing. Allele origin: germline.

PreventionGenetics, part of Exact Sciences
Classification: Likely benign for COL18A1-related condition. Last evaluated: 2019-07-11. Review status: no assertion criteria provided. Collection method: clinical testing. Allele origin: germline. Not counted in ClinVar's aggregate classification.
Comment: This variant is classified as likely benign based on ACMG/AMP sequence variant interpretation guidelines (Richards et al. 2015 PMID: 25741868, with internal and published modifications).